The following is an entry in ClinVar:

ClinVar aggregate classification (germline): Likely benign (1 of 4 stars; one submission).

Allele frequency attached by ClinVar (database versions not stated): ExAC 0.00012; TOPMed 0.00026; gnomAD 0.00027; ESP Exome Variant Server 0.00040; gnomAD exomes 0.00054.
gnomAD v4.1: 842 of 1,613,904 alleles (0.052%); highest among the groups gnomAD compares: Non-Finnish European, 0.066%; no homozygotes.

Submission:

CeGaT Center for Human Genetics Tuebingen
Classification: Likely benign. Last evaluated: 2025-11-01. Review status: criteria provided, single submitter. Criteria: CeGaT Center For Human Genetics Tuebingen Variant Classification Criteria Version 2. Collection method: clinical testing. Allele origin: germline. Affected: yes. Observed: 4 variant alleles.
Comment: TANC2: BP4, BS1

NM_001394998.1(TANC2):c.5549C>T (p.Pro1850Leu)

Gene: TANC2 (tetratricopeptide repeat, ankyrin repeat and coiled-coil containing 2; plus strand). Cytogenetic location: 17q23.3.
Variant type: single nucleotide variant.
Coding change: c.5549C>T on transcript NM_001394998.1 (MANE Select); coding-DNA position 5549, C replaced by T.
Protein change: p.Pro1850Leu; replaces proline 1850 with leucine.
Molecular consequence: missense variant.
Genome position (GRCh38, 1-based): chr17:63,421,279, C>T. VCF-style: chr17-63421279-C-T. GRCh37 (hg19) VCF-style: chr17-61498640-C-T.
Other names: c.5327C>T, p.Pro1776Leu (NM_001411076.1); c.5297C>T, p.Pro1766Leu (NM_025185.4); short protein forms P1766L, P1776L, P1850L.
Identifiers: ClinVar variation 3025981 (VCV003025981.22), dbSNP rs200671950, ClinGen allele CA8698467.